The following is an entry in ClinVar:

NM_001999.4(FBN2):c.533-6A>G

Gene: FBN2 (fibrillin 2; minus strand). Cytogenetic location: 5q23.3.
Variant type: single nucleotide variant.
Coding change: c.533-6A>G on transcript NM_001999.4 (MANE Select); 6 bases into the intron before coding-DNA position 533, A replaced by G.
Molecular consequence: intron variant.
Genome position (GRCh38, 1-based): chr5:128,519,374, T>C on the plus strand (A>G on the coding strand, the complement: FBN2 is on the minus strand). VCF-style: chr5-128519374-T-C. GRCh37 (hg19) VCF-style: chr5-127855067-T-C.
Identifiers: ClinVar variation 509188 (VCV000509188.14), dbSNP rs56400997, ClinGen allele CA3396081.

ClinVar aggregate classification (germline): Likely benign. Review status: criteria provided, multiple submitters, no conflicts (2 of 4 stars). 3 submissions from 3 submitters: Likely benign (3). Last evaluated 2025-08-01.

Conditions:
Congenital contractural arachnodactyly (CCA). Also called: BEALS SYNDROME; Arthrogryposis, distal, type 9; Beals-Hecht syndrome. Identifiers: Orphanet 115, MedGen C0220668, MONDO:0007363, OMIM 121050.

Allele frequency attached by ClinVar (database versions not stated): gnomAD 0.00002 and 0.00005; TOPMed 0.00002; gnomAD exomes 0.00003; ExAC 0.00006; 1000 Genomes Project 30x 0.00031; 1000 Genomes Project 0.00040.
gnomAD v4.1: 267 of 1,612,126 alleles (0.017%); highest among the groups gnomAD compares: East Asian, 0.58%; 1 homozygote.

Submissions (3):

Labcorp Genetics (formerly Invitae), Labcorp
Classification: Likely benign for Congenital contractural arachnodactyly. Last evaluated: 2025-08-01. Review status: criteria provided, single submitter. Criteria: Invitae Variant Classification Sherloc (09022015). Collection method: clinical testing. Allele origin: germline.

ARUP Laboratories, Molecular Genetics and Genomics, ARUP Laboratories
Classification: Likely benign. Last evaluated: 2022-04-13. Review status: criteria provided, single submitter. Criteria: ARUP Molecular Germline Variant Investigation Process 2021. Collection method: clinical testing. Allele origin: germline.

GeneDx
Classification: Likely benign. Last evaluated: 2017-04-28. Review status: criteria provided, single submitter. Criteria: GeneDx Variant Classification (06012015). Collection method: clinical testing. Allele origin: germline. Affected: yes.
Comment: This variant is considered likely benign or benign based on one or more of the following criteria: it is a conservative change, it occurs at a poorly conserved position in the protein, it is predicted to be benign by multiple in silico algorithms, and/or has population frequency not consistent with disease.